The following is an entry in ClinVar:

NM_014727.3(KMT2B):c.6976A>G (p.Met2326Val)

Gene: KMT2B (lysine methyltransferase 2B; plus strand). Cytogenetic location: 19q13.12.
Variant type: single nucleotide variant.
Coding change: c.6976A>G on transcript NM_014727.3 (MANE Select); coding-DNA position 6976, A replaced by G.
Protein change: p.Met2326Val; replaces methionine 2326 with valine.
Molecular consequence: missense variant.
Genome position (GRCh38, 1-based): chr19:35,733,613, A>G. VCF-style: chr19-35733613-A-G. GRCh37 (hg19) VCF-style: chr19-36224514-A-G.
Other names: short protein forms M2326V.
Identifiers: ClinVar variation 2579594 (VCV002579594.3), dbSNP rs1039247530, ClinGen allele CA307797729.
Genomic context (GRCh38, chr19:35,733,613, plus strand): 5'-TGGGCGGGAGATGCGGCTCATCCTTCTCGGGCTCGCCCTCCCAGGTTTAGCCGTGTGAGG[A>G]TGAAAACCCCCACAGTGCGTGGGGTCCTTGACCTGGATCGGCCTGGGGAGCCCGCTGGGG-3'
Protein context (NP_055542.1, residues 2316-2336): LGSGGFSRVR[Met2326Val]KTPTVRGVLD

ClinVar aggregate classification (germline): Uncertain significance. Review status: criteria provided, multiple submitters, no conflicts (2 of 4 stars). 2 submissions from 2 submitters: Uncertain significance (2). Last evaluated 2025-12-08.

Allele frequency attached by ClinVar (database versions not stated): gnomAD 0.00001; gnomAD exomes below 0.00001.
gnomAD v4.1: 5 of 1,585,746 alleles (0.00032%); highest among the groups gnomAD compares: African/African-American, 0.0013%; no homozygotes.

Submissions (2):

Labcorp Genetics (formerly Invitae), Labcorp
Classification: Uncertain significance. Last evaluated: 2025-12-08. Review status: criteria provided, single submitter. Criteria: Invitae Variant Classification Sherloc (09022015). Collection method: clinical testing. Allele origin: germline.
Comment: This sequence change replaces methionine, which is neutral and non-polar, with valine, which is neutral and non-polar, at codon 2326 of the KMT2B protein (p.Met2326Val). This variant is present in population databases (no rsID available, gnomAD 0.001%). This variant has not been reported in the literature in individuals affected with KMT2B-related conditions. ClinVar contains an entry for this variant (Variation ID: 2579594). Invitae Evidence Modeling of protein sequence and biophysical properties (such as structural, functional, and spatial information, amino acid conservation, physicochemical variation, residue mobility, and thermodynamic stability) has been performed for this missense variant. However, the output from this modeling did not meet the statistical confidence thresholds required to predict the impact of this variant on KMT2B protein function. Algorithms developed to predict the effect of sequence changes on RNA splicing suggest that this variant may disrupt the consensus splice site. In summary, the available evidence is currently insufficient to determine the role of this variant in disease. Therefore, it has been classified as a Variant of Uncertain Significance.

GeneDx
Classification: Uncertain significance. Last evaluated: 2023-10-12. Review status: criteria provided, single submitter. Criteria: GeneDx Variant Classification Process June 2021. Collection method: clinical testing. Allele origin: germline. Affected: yes.
Comment: Not observed at significant frequency in large population cohorts (gnomAD); In silico analysis supports that this missense variant does not alter protein structure/function; In silico analysis is inconclusive as to whether the variant alters gene splicing. In the absence of RNA/functional studies, the actual effect of this sequence change is unknown.; Has not been previously published as pathogenic or benign to our knowledge